The following is an entry in ClinVar:

ClinVar aggregate classification (germline): Benign. Review status: criteria provided, single submitter (1 of 4 stars). 2 submissions from 2 submitters: Benign (1). 1 of the submissions does not count toward it. Last evaluated 2022-08-29.

Conditions:
Myocardial infarction, decreased susceptibility to.

Submissions (2):

GeneDx
Classification: Benign. Last evaluated: 2022-08-29. Review status: criteria provided, single submitter. Criteria: GeneDx Variant Classification Process June 2021. Collection method: clinical testing. Allele origin: germline. Affected: yes.
Comment: See Variant Classification Assertion Criteria.

OMIM
Classification: risk factor for MYOCARDIAL INFARCTION, DECREASED SUSCEPTIBILITY TO. Last evaluated: 2000-09-14. Review status: no assertion criteria provided. Collection method: literature only. Allele origin: germline. Not counted in ClinVar's aggregate classification.

Literature cited by the submitters: PubMed 10984565 (cited by OMIM).

NC_000013.11:g.113105517_113105518insCCTATATCCT

Gene: F7 (coagulation factor VII; plus strand). Cytogenetic location: 13q34.
Variant type: Insertion.
Genome position: GRCh38 VCF-style: chr13-113105516-T-TTCCTATATCC. GRCh37 (hg19) VCF-style: chr13-113759830-T-TTCCTATATCC.
Other names: F7, 10-BP INS, NT-323.
Identifiers: ClinVar variation 12079 (VCV000012079.3), dbSNP rs5742910, ClinGen allele CA256450920.